The following is an entry in ClinVar:

ClinVar aggregate classification (germline): Uncertain significance. Review status: criteria provided, multiple submitters, no conflicts (2 of 4 stars). 3 submissions from 3 submitters: Uncertain significance (2). 1 of the submissions does not count toward it. Last evaluated 2024-02-29.

Conditions:
Peripheral neuropathy. Also called: Neuropathy. Identifiers: MedGen C0031117, MONDO:0005244, HP:0009830.

Allele frequency attached by ClinVar (database versions not stated): TOPMed 0.00002; gnomAD 0.00004 and 0.00005; ESP Exome Variant Server 0.00008.

Submissions (3):

Blueprint Genetics
Classification: Uncertain significance. Last evaluated: 2024-02-29. Review status: criteria provided, single submitter. Criteria: ACMG Guidelines, 2015. Collection method: clinical testing. Allele origin: germline.

Labcorp Genetics (formerly Invitae), Labcorp
Classification: Uncertain significance. Last evaluated: 2022-08-07. Review status: criteria provided, single submitter. Criteria: Invitae Variant Classification Sherloc (09022015). Collection method: clinical testing. Allele origin: germline.
Comment: This sequence change affects a donor splice site in intron 1 of the COX6A1 gene. It is expected to disrupt RNA splicing. Variants that disrupt the donor or acceptor splice site typically lead to a loss of protein function (PMID: 16199547), however the current clinical and genetic evidence is not sufficient to establish whether loss-of-function variants in COX6A1 cause disease. This variant is present in population databases (rs377504835, gnomAD 0.008%). This variant has not been reported in the literature in individuals affected with COX6A1-related conditions. ClinVar contains an entry for this variant (Variation ID: 560368). Algorithms developed to predict the effect of sequence changes on RNA splicing suggest that this variant may disrupt the consensus splice site. In summary, the available evidence is currently insufficient to determine the role of this variant in disease. Therefore, it has been classified as a Variant of Uncertain Significance.

Institute of Human Genetics, University of Wuerzburg
Classification: Likely pathogenic for Peripheral neuropathy. Review status: no assertion criteria provided. Collection method: clinical testing. Allele origin: unknown. Not counted in ClinVar's aggregate classification.

Literature cited by the submitters: PubMed 16199547 (cited by Labcorp Genetics (formerly Invitae), Labcorp).

NM_004373.4(COX6A1):c.103+1G>C

Gene: COX6A1 (cytochrome c oxidase subunit 6A1; plus strand). Cytogenetic location: 12q24.31.
Variant type: single nucleotide variant.
Coding change: c.103+1G>C on transcript NM_004373.4 (MANE Select); the canonical splice donor site of the intron after coding-DNA position 103, G replaced by C.
Molecular consequence: splice donor variant.
Genome position (GRCh38, 1-based): chr12:120,438,230, G>C. VCF-style: chr12-120438230-G-C. GRCh37 (hg19) VCF-style: chr12-120876033-G-C.
Identifiers: ClinVar variation 560368 (VCV000560368.6), dbSNP rs377504835, ClinGen allele CA6827982.